The following is an entry in ClinVar:

NM_182961.4(SYNE1):c.19111G>A (p.Gly6371Arg)

Gene: SYNE1 (spectrin repeat containing nuclear envelope protein 1; minus strand). Cytogenetic location: 6q25.2.
Variant type: single nucleotide variant.
Coding change: c.19111G>A on transcript NM_182961.4 (MANE Select); coding-DNA position 19111, G replaced by A.
Protein change: p.Gly6371Arg; replaces glycine 6371 with arginine.
Molecular consequence: missense variant.
Genome position (GRCh38, 1-based): chr6:152,255,740, C>T on the plus strand (G>A on the coding strand, the complement: SYNE1 is on the minus strand). VCF-style: chr6-152255740-C-T. GRCh37 (hg19) VCF-style: chr6-152576875-C-T.
Other names: c.18898G>A (NM_033071.3); c.18898G>A, p.Gly6300Arg (NM_033071.5); short protein forms G6371R, G6300R.
Identifiers: ClinVar variation 1403972 (VCV001403972.10), dbSNP rs572189966, ClinGen allele CA4054762.

ClinVar aggregate classification (germline): Uncertain significance. Review status: criteria provided, multiple submitters, no conflicts (2 of 4 stars). 2 submissions from 2 submitters: Uncertain significance (2). Last evaluated 2022-03-08.

Conditions:
Emery-Dreifuss muscular dystrophy 4, autosomal dominant (EDMD4). Also called: EMERY-DREIFUSS MUSCULAR DYSTROPHY 4 WITH VARIABLE FEATURES. Identifiers: Orphanet 261, MedGen C2751807, MONDO:0013071, OMIM 612998.
Autosomal recessive ataxia, Beauce type. Also called: SYNE1-Related Autosomal Recessive Cerebellar Ataxia; Spinocerebellar ataxia, autosomal recessive 8; ATAXIA, RECESSIVE, OF BEAUCE; SYNE1 Deficiency. Identifiers: Orphanet 88644, MedGen C1853116, MONDO:0012549, OMIM 610743.

Allele frequency attached by ClinVar (database versions not stated): ExAC 0.00001; gnomAD 0.00001; gnomAD exomes 0.00003 and 0.00005; 1000 Genomes Project 30x 0.00016; 1000 Genomes Project 0.00020.
gnomAD v4.1: 41 of 1,614,178 alleles (0.0025%); highest among the groups gnomAD compares: South Asian, 0.044%; no homozygotes.

Submissions (2):

Labcorp Genetics (formerly Invitae), Labcorp
Classification: Uncertain significance for Emery-Dreifuss muscular dystrophy 4, autosomal dominant; Autosomal recessive ataxia, Beauce type. Last evaluated: 2022-03-08. Review status: criteria provided, single submitter. Criteria: Invitae Variant Classification Sherloc (09022015). Collection method: clinical testing. Allele origin: germline.
Comment: This variant is present in population databases (rs572189966, gnomAD 0.04%). In summary, the available evidence is currently insufficient to determine the role of this variant in disease. Therefore, it has been classified as a Variant of Uncertain Significance. Algorithms developed to predict the effect of missense changes on protein structure and function output the following: SIFT: "Tolerated"; PolyPhen-2: "Benign"; Align-GVGD: "Class C0". The arginine amino acid residue is found in multiple mammalian species, which suggests that this missense change does not adversely affect protein function. This variant has not been reported in the literature in individuals affected with SYNE1-related conditions. This sequence change replaces glycine, which is neutral and non-polar, with arginine, which is basic and polar, at codon 6300 of the SYNE1 protein (p.Gly6300Arg).

Revvity Omics, Revvity
Classification: Uncertain significance. Last evaluated: 2021-01-07. Review status: criteria provided, single submitter. Criteria: ACMG Guidelines, 2015. Collection method: clinical testing. Allele origin: germline.